The following is an entry in ClinVar:

ClinVar aggregate classification (germline): Likely benign. Review status: criteria provided, multiple submitters, no conflicts (2 of 4 stars). 3 submissions from 3 submitters: Likely benign (3). Last evaluated 2026-07-01.

Conditions:
Holocarboxylase synthetase deficiency. Also called: MULTIPLE CARBOXYLASE DEFICIENCY, EARLY ONSET. Identifiers: Orphanet 79242, MedGen C0268581, MONDO:0009666, OMIM 253270.

Allele frequency attached by ClinVar (database versions not stated): 1000 Genomes Project 30x 0.00078; 1000 Genomes Project 0.00080; ExAC 0.00004; gnomAD exomes 0.00006 and 0.00016; gnomAD 0.00030; TOPMed 0.00048.

Submissions (3):

CeGaT Center for Human Genetics Tuebingen
Classification: Likely benign. Last evaluated: 2026-07-01. Review status: criteria provided, single submitter. Criteria: CeGaT Center For Human Genetics Tuebingen Variant Classification Criteria Version 2. Collection method: clinical testing. Allele origin: germline. Affected: yes. Observed: 1 variant allele.
Comment: HLCS: BP4, BP7

Labcorp Genetics (formerly Invitae), Labcorp
Classification: Likely benign for Holocarboxylase synthetase deficiency. Last evaluated: 2026-01-31. Review status: criteria provided, single submitter. Criteria: Invitae Variant Classification Sherloc (09022015). Collection method: clinical testing. Allele origin: germline.

GeneDx
Classification: Likely benign. Last evaluated: 2016-11-22. Review status: criteria provided, single submitter. Criteria: GeneDx Variant Classification (06012015). Collection method: clinical testing. Allele origin: germline. Affected: yes.
Comment: This variant is considered likely benign or benign based on one or more of the following criteria: it is a conservative change, it occurs at a poorly conserved position in the protein, it is predicted to be benign by multiple in silico algorithms, and/or has population frequency not consistent with disease.

NM_001352514.2(HLCS):c.1422A>G (p.Glu474=)

Gene: HLCS (holocarboxylase synthetase; minus strand). Cytogenetic location: 21q22.13.
Variant type: single nucleotide variant.
Coding change: c.1422A>G on transcript NM_001352514.2 (MANE Select); coding-DNA position 1422, A replaced by G.
Protein change: p.Glu474=; no amino-acid change (glutamic acid 474 retained).
Molecular consequence: synonymous variant. On other transcripts: non-coding transcript variant (2).
Genome position (GRCh38, 1-based): chr21:36,936,464, T>C on the plus strand (A>G on the coding strand, the complement: HLCS is on the minus strand). VCF-style: chr21-36936464-T-C. GRCh37 (hg19) VCF-style: chr21-38308764-T-C.
Other names: c.981A>G, p.Glu327= (NM_000411.8, NM_001242784.3, NM_001242785.2 and 4 more transcripts).
Identifiers: ClinVar variation 391042 (VCV000391042.13), dbSNP rs189674085, ClinGen allele CA10020572.